The following is an entry in ClinVar:

NM_001042492.3(NF1):c.4577+6A>G

Gene: NF1 (neurofibromin 1; plus strand). Cytogenetic location: 17q11.2.
Variant type: single nucleotide variant.
Coding change: c.4577+6A>G on transcript NM_001042492.3 (MANE Select); 6 bases into the intron after coding-DNA position 4577, A replaced by G.
Molecular consequence: intron variant.
Genome position (GRCh38, 1-based): chr17:31,260,521, A>G. VCF-style: chr17-31260521-A-G. GRCh37 (hg19) VCF-style: chr17-29587539-A-G.
Other names: c.4514+6A>G (NM_000267.4).
Identifiers: ClinVar variation 843891 (VCV000843891.4), dbSNP rs2067666398, ClinGen allele CA916080605.
Genomic context (GRCh38, chr17:31,260,521, plus strand): 5'-ATCGTCTACTCTGGAACAATCAGGAGAAAATTGGGCAGTATCTTTCCAGCAACAGGTAAG[A>G]TTTCCCAGTCATGGGGATAGTGAACACTCTCCGTTTAAATTTAGATTAATACAATTATTG-3'

ClinVar aggregate classification (germline): Uncertain significance (1 of 4 stars; one submission).

Conditions:
Neurofibromatosis, type 1 (NF1). Also called: Peripheral type neurofibromatosis; VON RECKLINGHAUSEN DISEASE; Neurofibromatosis, type I; NEUROFIBROMATOSIS, TYPE I, SOMATIC. Identifiers: Orphanet 636, MedGen C0027831, MONDO:0018975, OMIM 162200. Disease mechanism: loss of function.

Submission:

Labcorp Genetics (formerly Invitae), Labcorp
Classification: Uncertain significance for Neurofibromatosis, type 1. Last evaluated: 2021-08-26. Review status: criteria provided, single submitter. Criteria: Invitae Variant Classification Sherloc (09022015). Collection method: clinical testing. Allele origin: germline.
Comment: This sequence change falls in intron 33 of the NF1 gene. It does not directly change the encoded amino acid sequence of the NF1 protein. It affects a nucleotide within the consensus splice site of the intron. This variant is not present in population databases (ExAC no frequency). This variant has not been reported in the literature in individuals affected with NF1-related conditions. Variants that disrupt the consensus splice site are a relatively common cause of aberrant splicing (PMID: 17576681, 9536098). Algorithms developed to predict the effect of sequence changes on RNA splicing suggest that this variant is not likely to affect RNA splicing. In summary, the available evidence is currently insufficient to determine the role of this variant in disease. Therefore, it has been classified as a Variant of Uncertain Significance.

Literature cited by the submitters: PubMed 17576681; PubMed 9536098.